The following is an entry in ClinVar:

NM_000051.4(ATM):c.821C>T (p.Ser274Phe)

Gene: ATM (ATM serine/threonine kinase; plus strand). Cytogenetic location: 11q22.3.
Variant type: single nucleotide variant.
Coding change: c.821C>T on transcript NM_000051.4 (MANE Select); coding-DNA position 821, C replaced by T.
Protein change: p.Ser274Phe; replaces serine 274 with phenylalanine.
Molecular consequence: missense variant.
Genome position (GRCh38, 1-based): chr11:108,244,946, C>T. VCF-style: chr11-108244946-C-T. GRCh37 (hg19) VCF-style: chr11-108115673-C-T.
Other names: c.821C>T, p.Ser274Phe (NM_001351834.2); short protein forms S274F.
Identifiers: ClinVar variation 646532 (VCV000646532.12), dbSNP rs1591504377, ClinGen allele CA382529420.

ClinVar aggregate classification (germline): Uncertain significance. Review status: criteria provided, multiple submitters, no conflicts (2 of 4 stars). 4 submissions from 4 submitters: Uncertain significance (4). Last evaluated 2025-07-31.

Conditions:
Hereditary cancer-predisposing syndrome. Also called: Neoplastic Syndromes, Hereditary; Hereditary Cancer Syndrome; Hereditary neoplastic syndrome; Tumor predisposition. Identifiers: Orphanet 140162, MedGen C0027672, MeSH D009386, MONDO:0015356.
Ataxia-telangiectasia syndrome (AT). Also called: LOUIS-BAR SYNDROME; Ataxia-telangiectasia, complementation group E; Ataxia-telangiectasia, complementation group D; AT, COMPLEMENTATION GROUP C; Ataxia telangiectasia (A-T); Cerebello-oculocutaneous telangiectasia. Identifiers: Orphanet 100, MedGen C0004135, MONDO:0008840, OMIM 208900.
Familial cancer of breast. Also called: hereditary breast carcinoma; BREAST CANCER, FAMILIAL; Hereditary breast cancer. Identifiers: Orphanet 227535, MedGen C0346153, MONDO:0016419, OMIM 114480. Disease mechanism: loss of function.

Submissions (4):

Ambry Genetics
Classification: Uncertain significance for Hereditary cancer-predisposing syndrome. Last evaluated: 2025-07-31. Review status: criteria provided, single submitter. Criteria: Ambry Variant Classification Scheme 2023. Collection method: clinical testing. Allele origin: germline.
Comment: The p.S274F variant (also known as c.821C>T), located in coding exon 6 of the ATM gene, results from a C to T substitution at nucleotide position 821. The serine at codon 274 is replaced by phenylalanine, an amino acid with highly dissimilar properties. This amino acid position is not well conserved in available vertebrate species. In addition, this alteration is predicted to be tolerated by in silico analysis. Since supporting evidence is limited at this time, the clinical significance of this alteration remains unclear.

Baylor Genetics
Classification: Uncertain significance for Familial cancer of breast. Last evaluated: 2023-12-01. Review status: criteria provided, single submitter. Criteria: ACMG Guidelines, 2015. Collection method: clinical testing. Allele origin: unknown.

Color Diagnostics, LLC DBA Color Health
Classification: Uncertain significance for Hereditary cancer-predisposing syndrome. Last evaluated: 2023-05-30. Review status: criteria provided, single submitter. Criteria: ACMG Guidelines, 2015. Collection method: clinical testing. Allele origin: germline.
Comment: This missense variant replaces serine with phenylalanine at codon 274 of the ATM protein. Computational prediction suggests that this variant may not impact protein structure and function (internally defined REVEL score threshold <= 0.5, PMID: 27666373). To our knowledge, functional studies have not been reported for this variant. This variant has not been reported in individuals affected with ATM-related disorders in the literature. This variant has not been identified in the general population by the Genome Aggregation Database (gnomAD). The available evidence is insufficient to determine the role of this variant in disease conclusively. Therefore, this variant is classified as a Variant of Uncertain Significance.

Labcorp Genetics (formerly Invitae), Labcorp
Classification: Uncertain significance for Ataxia-telangiectasia syndrome. Last evaluated: 2022-01-26. Review status: criteria provided, single submitter. Criteria: Invitae Variant Classification Sherloc (09022015). Collection method: clinical testing. Allele origin: germline.
Comment: This sequence change replaces serine, which is neutral and polar, with phenylalanine, which is neutral and non-polar, at codon 274 of the ATM protein (p.Ser274Phe). This variant is not present in population databases (gnomAD no frequency). This variant has not been reported in the literature in individuals affected with ATM-related conditions. ClinVar contains an entry for this variant (Variation ID: 646532). Advanced modeling of protein sequence and biophysical properties (such as structural, functional, and spatial information, amino acid conservation, physicochemical variation, residue mobility, and thermodynamic stability) performed at Invitae indicates that this missense variant is not expected to disrupt ATM protein function. In summary, the available evidence is currently insufficient to determine the role of this variant in disease. Therefore, it has been classified as a Variant of Uncertain Significance.